The following is an entry in ClinVar:

ClinVar aggregate classification (germline): Pathogenic (1 of 4 stars; one submission).

Conditions:
Marfan syndrome (MFS). Also called: Marfan syndrome type 1; Marfan's syndrome; FBN1-Related Marfan Syndrome; MARFAN SYNDROME, TYPE I; Marfan syndrome, classic. Identifiers: Orphanet 284963, Orphanet 558, MedGen C0024796, MONDO:0007947, OMIM 154700.
Familial thoracic aortic aneurysm and aortic dissection (TAAD). Also called: Thoracic aortic aneurysms and dissections. Identifiers: Orphanet 91387, MedGen C4707243, MONDO:0019625.

Submission:

Labcorp Genetics (formerly Invitae), Labcorp
Classification: Pathogenic for Marfan syndrome; Familial thoracic aortic aneurysm and aortic dissection. Last evaluated: 2022-08-23. Review status: criteria provided, single submitter. Criteria: Invitae Variant Classification Sherloc (09022015). Collection method: clinical testing. Allele origin: germline.
Comment: A gross deletion of the genomic region encompassing the full coding sequence of the FBN1 gene has been identified. Loss-of-function variants in FBN1 are known to be pathogenic (PMID: 17657824, 19293843). The boundaries of this event are unknown as they extend beyond the assayed region for this gene and therefore may encompass additional genes. A similar copy number variant has been observed in individual(s) with Marfan syndrome (PMID: 21063442, 26787436). It has also been observed to segregate with disease in related individuals. For these reasons, this variant has been classified as Pathogenic.

Literature cited by the submitters: PubMed 17657824; PubMed 19293843; PubMed 21063442; PubMed 26787436.

NC_000015.9:g.(?_48703187)_(48936966_?)del

Gene: FBN1 (fibrillin 1; minus strand). Cytogenetic location: 15q21.1.
Variant type: Deletion.
Identifiers: ClinVar variation 1367548 (VCV001367548.6).